The following is an entry in ClinVar:

NM_001555.5(IGSF1):c.2896+1del

Gene: IGSF1 (immunoglobulin superfamily member 1; minus strand). Cytogenetic location: Xq26.1.
Variant type: Deletion.
Coding change: c.2896+1del on transcript NM_001555.5 (MANE Select); the canonical splice donor site of the intron after coding-DNA position 2896, one base deleted (G; older notation c.2896+1delG).
Molecular consequence: splice donor variant.
Genome position (GRCh38, 1-based): chrX:131,275,960, C deleted on the plus strand (G on the coding strand, the reverse complement: IGSF1 is on the minus strand); the first of 2 consecutive C bases (chrX:131,275,960-131,275,961); deleting either gives the same sequence. VCF-style (leftmost placement, unchanged base first): chrX-131275959-AC-A. GRCh37 (hg19) VCF-style: chrX-130409933-AC-A.
Other names: c.2911+1delG (NM_001170961.1); c.2869+1del (NM_001170962.2); c.2911+1del (NM_001170961.2).
Identifiers: ClinVar variation 451530 (VCV000451530.2), dbSNP rs1556177186, ClinGen allele CA658659040.
Genomic context (GRCh38, chrX:131,275,959, plus strand): 5'-TACTCTCCCTAACCCCTTCTCCAATGATCTCCATCCCAGTCCCATGTCCGGTCGGTCCTT[AC>A]CAGTCACCCAGATCATAAGGGGCATACTGAGATATGACCCCCTGTTTGACATGGTTGTCT-3'

ClinVar aggregate classification (germline): Pathogenic (1 of 4 stars; one submission).

Submission:

GeneDx
Classification: Pathogenic. Last evaluated: 2017-08-18. Review status: criteria provided, single submitter. Criteria: GeneDx Variant Classification (06012015). Collection method: clinical testing. Allele origin: germline. Affected: yes.
Comment: The c.2911+1delG pathogenic variant in the IGSF1 gene has not been reported previously as a pathogenic variant, nor as a benign variant, to our knowledge. This splice site variant destroys the canonical splice donor site in intron 15. It is predicted to cause abnormal gene splicing, either leading to an abnormal message that is subject to nonsense-mediated mRNA decay, or to an abnormal protein product if the message is used for protein translation. The c.2911+1delG variant is not observed in large population cohorts (Lek et al., 2016; 1000 Genomes Consortium et al., 2015; Exome Variant Server). We interpret c.2911+1delG as a pathogenic variant.